The following is an entry in ClinVar:

ClinVar aggregate classification (germline): Uncertain significance (1 of 4 stars; one submission).

Submission:

Labcorp Genetics (formerly Invitae), Labcorp
Classification: Uncertain significance. Last evaluated: 2024-12-10. Review status: criteria provided, single submitter. Criteria: Invitae Variant Classification Sherloc (09022015). Collection method: clinical testing. Allele origin: germline.
Comment: This sequence change replaces glutamic acid, which is acidic and polar, with alanine, which is neutral and non-polar, at codon 1763 of the RNF213 protein (p.Glu1763Ala). This variant is not present in population databases (gnomAD no frequency). This variant has not been reported in the literature in individuals affected with RNF213-related conditions. Invitae Evidence Modeling of protein sequence and biophysical properties (such as structural, functional, and spatial information, amino acid conservation, physicochemical variation, residue mobility, and thermodynamic stability) indicates that this missense variant is not expected to disrupt RNF213 protein function with a negative predictive value of 95%. In summary, the available evidence is currently insufficient to determine the role of this variant in disease. Therefore, it has been classified as a Variant of Uncertain Significance.

NM_001256071.3(RNF213):c.5288A>C (p.Glu1763Ala)

Gene: RNF213 (ring finger protein 213; plus strand). Cytogenetic location: 17q25.3.
Variant type: single nucleotide variant.
Coding change: c.5288A>C on transcript NM_001256071.3 (MANE Select); coding-DNA position 5288, A replaced by C.
Protein change: p.Glu1763Ala; replaces glutamic acid 1763 with alanine.
Molecular consequence: missense variant.
Genome position (GRCh38, 1-based): chr17:80,339,655, A>C. VCF-style: chr17-80339655-A-C. GRCh37 (hg19) VCF-style: chr17-78313455-A-C.
Other names: c.5435A>C, p.Glu1812Ala (NM_001410195.1, NM_020914.5); short protein forms E1763A, E1812A.
Identifiers: ClinVar variation 3720526 (VCV003720526.2).
Genomic context (GRCh38, chr17:80,339,655, plus strand): 5'-GGGCCTCTGTGGGGTGTGGGAGTGAGGCCGCCAGGTACCGCATGAGGAGAGTCATGGAAG[A>C]GCTCCCGCTGATGCTCTTATCAGAGTTCAGCCTGGTGGACAAGCTGAGGATCATCATGGA-3'
Protein context (NP_001243000.2, residues 1753-1773): ARYRMRRVME[Glu1763Ala]LPLMLLSEFS